The following is an entry in ClinVar:

NM_000051.4(ATM):c.7307+7A>G

Genes: ATM (ATM serine/threonine kinase; plus strand), C11orf65 (chromosome 11 open reading frame 65; minus strand). Cytogenetic location: 11q22.3.
Variant type: single nucleotide variant.
Coding change: c.7307+7A>G on transcript NM_000051.4 (MANE Select); 7 bases into the intron after coding-DNA position 7307, A replaced by G.
Molecular consequence: intron variant.
Genome position (GRCh38, 1-based): chr11:108,329,245, A>G. VCF-style: chr11-108329245-A-G. GRCh37 (hg19) VCF-style: chr11-108199972-A-G.
Other names: c.7307+7A>G (NM_001351834.2); c.641-20174T>C (NM_001330368.2); c.*38+5975T>C (NM_001351110.2).
Identifiers: ClinVar variation 2844937 (VCV002844937.4), dbSNP rs2136424880, ClinGen allele CA2739266040.

ClinVar aggregate classification (germline): Likely benign. Review status: criteria provided, multiple submitters, no conflicts (2 of 4 stars). 2 submissions from 2 submitters: Likely benign (2). Last evaluated 2025-02-05.

Conditions:
Ataxia-telangiectasia syndrome (AT). Also called: LOUIS-BAR SYNDROME; Cerebello-oculocutaneous telangiectasia; Immunodeficiency with ataxia telangiectasia; Ataxia telangiectasia (A-T); Ataxia-telangiectasia, complementation group D; AT, COMPLEMENTATION GROUP C. Identifiers: Orphanet 100, MedGen C0004135, MONDO:0008840, OMIM 208900.
Familial cancer of breast. Also called: BREAST CANCER, FAMILIAL; Hereditary breast cancer; hereditary breast carcinoma. Identifiers: Orphanet 227535, MedGen C0346153, MONDO:0016419, OMIM 114480. Disease mechanism: loss of function.

Submissions (2):

Labcorp Genetics (formerly Invitae), Labcorp
Classification: Likely benign for Ataxia-telangiectasia syndrome. Last evaluated: 2025-02-05. Review status: criteria provided, single submitter. Criteria: Invitae Variant Classification Sherloc (09022015). Collection method: clinical testing. Allele origin: germline.

Myriad Genetics, Inc.
Classification: Likely benign for Familial cancer of breast. Last evaluated: 2024-06-13. Review status: criteria provided, single submitter. Criteria: Myriad Autosomal Dominant, Autosomal Recessive and X-Linked Classification Criteria (2023). Collection method: clinical testing. Allele origin: unknown.
Comment: This variant is considered likely benign. This variant is intronic and is not expected to impact mRNA splicing.